The following is an entry in ClinVar:

ClinVar aggregate classification (germline): Uncertain significance (1 of 4 stars; one submission).

gnomAD v4.1: 4 of 1,613,400 alleles (0.00025%); highest among the groups gnomAD compares: Non-Finnish European, 0.00034%; no homozygotes.

Submission:

Labcorp Genetics (formerly Invitae), Labcorp
Classification: Uncertain significance. Last evaluated: 2024-07-01. Review status: criteria provided, single submitter. Criteria: Invitae Variant Classification Sherloc (09022015). Collection method: clinical testing. Allele origin: germline.
Comment: This sequence change replaces leucine, which is neutral and non-polar, with valine, which is neutral and non-polar, at codon 620 of the ATR protein (p.Leu620Val). This variant is present in population databases (rs770769122, gnomAD 0.0009%). This variant has not been reported in the literature in individuals affected with ATR-related conditions. ClinVar contains an entry for this variant (Variation ID: 1482040). Algorithms developed to predict the effect of missense changes on protein structure and function output the following: SIFT: "Not Available"; PolyPhen-2: "Benign"; Align-GVGD: "Not Available". The valine amino acid residue is found in multiple mammalian species, which suggests that this missense change does not adversely affect protein function. Algorithms developed to predict the effect of sequence changes on RNA splicing suggest that this variant may create or strengthen a splice site. In summary, the available evidence is currently insufficient to determine the role of this variant in disease. Therefore, it has been classified as a Variant of Uncertain Significance.

NM_001184.4(ATR):c.1858T>G (p.Leu620Val)

Gene: ATR (ATR checkpoint kinase; minus strand). Cytogenetic location: 3q23.
Variant type: single nucleotide variant.
Coding change: c.1858T>G on transcript NM_001184.4 (MANE Select); coding-DNA position 1858, T replaced by G.
Protein change: p.Leu620Val; replaces leucine 620 with valine.
Molecular consequence: missense variant.
Genome position (GRCh38, 1-based): chr3:142,558,651, A>C on the plus strand (T>G on the coding strand, the complement: ATR is on the minus strand). VCF-style: chr3-142558651-A-C. GRCh37 (hg19) VCF-style: chr3-142277493-A-C.
Other names: c.1666T>G, p.Leu556Val (NM_001354579.2); short protein forms L620V, L556V.
Identifiers: ClinVar variation 1482040 (VCV001482040.8), dbSNP rs770769122, ClinGen allele CA2650503.